The following is an entry in ClinVar:

ClinVar aggregate classification (germline): Uncertain significance (1 of 4 stars; one submission).

Submission:

Dasa
Classification: Uncertain significance. Last evaluated: 2024-10-25. Review status: criteria provided, single submitter. Criteria: DASA Assertion Criteria. Collection method: clinical testing. Allele origin: germline.
Comment: NM_006940.6(SOX5):c.561A>T (p.Glu187Asp) is a missense variant that results in the substitution of glutamic acid with aspartic acid. This variant is absent from population databases. The currently available literature and clinical evidence are not sufficient to establish a definitive association between this variant and the reported condition. Therefore, this variant is classified as a variant of uncertain significance.

NM_006940.6(SOX5):c.561A>T (p.Glu187Asp)

Gene: SOX5 (SRY-box transcription factor 5; minus strand). Cytogenetic location: 12p12.1.
Variant type: single nucleotide variant.
Coding change: c.561A>T on transcript NM_006940.6 (MANE Select); coding-DNA position 561, A replaced by T.
Protein change: p.Glu187Asp; replaces glutamic acid 187 with aspartic acid.
Molecular consequence: missense variant.
Genome position (GRCh38, 1-based): chr12:23,755,645, T>A on the plus strand (A>T on the coding strand, the complement: SOX5 is on the minus strand). VCF-style: chr12-23755645-T-A. GRCh37 (hg19) VCF-style: chr12-23908579-T-A.
Other names: c.522A>T, p.Glu174Asp (NM_001261414.3, NM_152989.5); c.531A>T, p.Glu177Asp (NM_001261415.3); c.456A>T, p.Glu152Asp (NM_001330785.2); short protein forms E152D, E174D, E177D, E187D.
Identifiers: ClinVar variation 4882810 (VCV004882810.2).